The following is an entry in ClinVar:

ClinVar aggregate classification (germline): Pathogenic. Review status: criteria provided, multiple submitters, no conflicts (2 of 4 stars). 7 submissions from 7 submitters: Pathogenic (6). 1 of the submissions does not count toward it. Last evaluated 2024-09-16.

Conditions:
Combined osteogenesis imperfecta and Ehlers-Danlos syndrome 1. Also called: OIEDS SYNDROME 1. Identifiers: MedGen C5436842, MONDO:0030854, OMIM 619115.
Infantile cortical hyperostosis. Also called: Caffey Disease; Hyperostosis, Cortical, Congenital; P1PK BLOOD GROUP SYSTEM, P(2) PHENOTYPE. Identifiers: Orphanet 1310, MedGen C0020497, MONDO:0007244, OMIM 114000.
Osteogenesis imperfecta type III (OI3). Also called: Osteogenesis imperfecta type 3; OI type 3; Osteogenesis imperfecta, progressively deforming with normal sclerae; OI type III; Progressively Deforming Osteogenesis Imperfecta. Identifiers: Orphanet 216812, Orphanet 666, MedGen C0268362, MONDO:0009804, OMIM 259420.
Osteogenesis imperfecta, perinatal lethal (OI2). Also called: Osteogenesis imperfecta type 2; OI, TYPE II; OSTEOGENESIS IMPERFECTA CONGENITA; VROLIK TYPE OF OSTEOGENESIS IMPERFECTA; OSTEOGENESIS IMPERFECTA, TYPE II; Osteogenesis imperfecta, dominant perinatal lethal. Identifiers: Orphanet 216804, MedGen C0268358, MONDO:0008147, OMIM 166210.
Osteogenesis imperfecta with normal sclerae, dominant form (OI4). Also called: Osteogenesis Imperfecta Type IV; OSTEOGENESIS IMPERFECTA WITH NORMAL SCLERAE; Osteogenesis imperfecta type 4; OSTEOGENESIS IMPERFECTA, TYPE IV, WITH DENTINOGENESIS IMPERFECTA; Common Variable Osteogenesis Imperfecta with Normal Sclerae. Identifiers: Orphanet 216820, Orphanet 666, MedGen C0268363, MONDO:0008148, OMIM 166220.
Osteoporosis. Identifiers: MedGen C0029456, MONDO:0005298, OMIM 166710, HP:0000939.
Osteogenesis imperfecta type I (OI1). Also called: OI, TYPE I; OSTEOGENESIS IMPERFECTA TARDA; OSTEOGENESIS IMPERFECTA WITH BLUE SCLERAE; Osteogenesis imperfecta type 1; Lobstein disease; Lobstein's Disease. Identifiers: Orphanet 216796, Orphanet 666, MedGen C0023931, MONDO:0008146, OMIM 166200. Disease mechanism: loss of function.
Ehlers-Danlos syndrome, arthrochalasia type. Also called: Ehlers-Danlos syndrome, arthrochalasis type; ARTHROCHALASIS MULTIPLEX CONGENITA; EDS VII, MUTANT PROCOLLAGEN TYPE; EDS VIIA; Ehlers-Danlos syndrome, arthrochalasia type, 1. Identifiers: Orphanet 1899, Orphanet 99875, Orphanet 99876, MedGen C4551623, MONDO:0007525, OMIM 130060.
COL1A1-related disorder. Also called: COL1A1- related disease; COL1A1-related condition.

Submissions (7):

Blueprint Genetics
Classification: Pathogenic for COL1A1-related disorders. Last evaluated: 2024-09-16. Review status: criteria provided, single submitter. Criteria: ACMG Guidelines, 2015. Collection method: clinical testing. Allele origin: germline. Affected: yes. Observed: 2 variant alleles.

Genomic Medicine Center of Excellence, King Faisal Specialist Hospital and Research Centre
Classification: Pathogenic for Osteogenesis imperfecta type I. Last evaluated: 2024-04-04. Review status: criteria provided, single submitter. Criteria: ACMG Guidelines, 2015. Collection method: clinical testing. Allele origin: germline.

Labcorp Genetics (formerly Invitae), Labcorp
Classification: Pathogenic for Osteogenesis imperfecta type I. Last evaluated: 2023-08-21. Review status: criteria provided, single submitter. Criteria: Invitae Variant Classification Sherloc (09022015). Collection method: clinical testing. Allele origin: germline.
Comment: This sequence change replaces glycine, which is neutral and non-polar, with serine, which is neutral and polar, at codon 425 of the COL1A1 protein (p.Gly425Ser). This variant is not present in population databases (gnomAD no frequency). This missense change has been observed in individuals with osteogenesis imperfecta (PMID: 7691343, 17078022, 18996919, 19637253, 24486247). ClinVar contains an entry for this variant (Variation ID: 647159). Advanced modeling of protein sequence and biophysical properties (such as structural, functional, and spatial information, amino acid conservation, physicochemical variation, residue mobility, and thermodynamic stability) performed at Invitae indicates that this missense variant is expected to disrupt COL1A1 protein function. This missense change is located within a functionally conserved triple helix domain of the COL1A1 protein and variants that affect the glycine residue in Gly-Xaa-Yaa repeats of the collagen triple helix are known to disrupt protein folding and stability (PMID: 8218237, 7695699). This variant disrupts the triple helix domain of COL1A1. Glycine residues within the Gly-Xaa-Yaa repeats of the triple helix domain are required for the structure and stability of fibrillar collagens (PMID: 7695699, 8218237, 19344236). In COL1A1, variants affecting these glycine residues are significantly enriched in individuals with disease (PMID: 9016532, 17078022) compared to the general population (ExAC). For these reasons, this variant has been classified as Pathogenic.

3billion
Classification: Pathogenic for Osteogenesis imperfecta type I. Last evaluated: 2023-02-23. Review status: criteria provided, single submitter. Criteria: ACMG Guidelines, 2015. Collection method: clinical testing. Allele origin: unknown. Affected: yes.
Comment: The variant is not observed in the gnomAD v2.1.1 dataset. Predicted Consequence/Location: The variant is located in a mutational hot spot and/or well-established functional domain in which established pathogenic variants have been reported (PMID: 7695699, 8218237, 19344236). Missense changes are a common disease-causing mechanism. In silico tool predictions suggest damaging effect of the variant on gene or gene product (REVEL: 0.98; 3Cnet: 1.00). Same nucleotide change resulting in same amino acid change has been previously reported as pathogenic/likely pathogenic with strong evidence (ClinVar ID: VCV000647159). Therefore, this variant is classified as Pathogenic according to the recommendation of ACMG/AMP guideline.

GeneDx
Classification: Pathogenic. Last evaluated: 2021-11-24. Review status: criteria provided, single submitter. Criteria: GeneDx Variant Classification Process June 2021. Collection method: clinical testing. Allele origin: germline. Affected: yes.
Comment: Occurs in the triple helical domain and replaces the glycine in the canonical Gly-X-Y repeat; missense substitution of a canonical glycine residue is expected to disrupt normal protein folding and function, and this is an established mechanism of disease (Stenson et al., 2014); Not observed in large population cohorts (Lek et al., 2016); In silico analysis, which includes protein predictors and evolutionary conservation, supports a deleterious effect; This variant is associated with the following publications: (PMID: 7691343, 19637253, 17078022, 29807018, 24486247, 29620724, 18996919)

Juno Genomics, Hangzhou Juno Genomics, Inc
Classification: Pathogenic for Osteoporosis; Infantile cortical hyperostosis; Combined osteogenesis imperfecta and Ehlers-Danlos syndrome 1; Ehlers-Danlos syndrome, arthrochalasia type; Osteogenesis imperfecta type I; Osteogenesis imperfecta, perinatal lethal; Osteogenesis imperfecta type III; Osteogenesis imperfecta with normal sclerae, dominant form. Review status: criteria provided, single submitter. Criteria: ACMG Guidelines, 2015. Collection method: clinical testing. Allele origin: germline. Affected: yes.
Comment: Absent from controls (or at extremely low frequency if recessive) in Genome Aggregation Database, Exome Sequencing Project, 1000 Genomes Project, or Exome Aggregation Consortium.;Multiple lines of computational evidence support a deleterious effect on the gene or gene product (conservation, evolutionary, splicing impact, etc).;Missense variant in a gene that has a low rate of benign missense variation and where missense variants are a common mechanism of disease.;De novo (both maternity and paternity confirmed) in a patient with the disease and no family history.;The prevalence of the variant in affected individuals is significantly increased compared to the prevalence in controls.

Pediatric Genetics Clinic, Sheba Medical Center
Classification: Pathogenic for Osteogenesis imperfecta type III. Last evaluated: 2021-05-13. Review status: no assertion criteria provided. Collection method: clinical testing. Allele origin: de novo. Affected: yes. Observed: 1 heterozygote. Not counted in ClinVar's aggregate classification.

Literature cited by the submitters: PubMed 7691343 (cited by Labcorp Genetics (formerly Invitae), Labcorp); PubMed 17078022 (cited by Labcorp Genetics (formerly Invitae), Labcorp); PubMed 18996919 (cited by Labcorp Genetics (formerly Invitae), Labcorp); PubMed 19637253 (cited by Labcorp Genetics (formerly Invitae), Labcorp); PubMed 24486247 (cited by Labcorp Genetics (formerly Invitae), Labcorp); PubMed 8218237 (cited by Labcorp Genetics (formerly Invitae), Labcorp and 3billion); PubMed 7695699 (cited by Labcorp Genetics (formerly Invitae), Labcorp and 3billion); PubMed 19344236 (cited by Labcorp Genetics (formerly Invitae), Labcorp and 3billion); PubMed 9016532 (cited by Labcorp Genetics (formerly Invitae), Labcorp).

NM_000088.4(COL1A1):c.1273G>A (p.Gly425Ser)

Gene: COL1A1 (collagen type I alpha 1 chain; minus strand). Cytogenetic location: 17q21.33.
Variant type: single nucleotide variant.
Coding change: c.1273G>A on transcript NM_000088.4 (MANE Select); coding-DNA position 1273, G replaced by A.
Protein change: p.Gly425Ser; replaces glycine 425 with serine.
Molecular consequence: missense variant.
Genome position (GRCh38, 1-based): chr17:50,195,258, C>T on the plus strand (G>A on the coding strand, the complement: COL1A1 is on the minus strand). VCF-style: chr17-50195258-C-T. GRCh37 (hg19) VCF-style: chr17-48272619-C-T.
Other names: short protein forms G425S.
Identifiers: ClinVar variation 647159 (VCV000647159.19), dbSNP rs72648330, ClinGen allele CA291546608.
Genomic context (GRCh38, chr17:50,195,258, plus strand): 5'-ATGGGGTGGGCAGAAGGGAGAGTTTGGTACTCACGCTGTTACCCTTGGGACCAGGAGGGC[C>T]GCCGGGGCCCTGGGGTCCAGAGGGGCCTCGGGCACCAGGGAAGCCAGGAGCACCAGCAAT-3'
Protein context (NP_000079.2, residues 415-435): RGPSGPQGPG[Gly425Ser]PPGPKGNSGE